The following is an entry in ClinVar:

ClinVar aggregate classification (germline): Pathogenic (1 of 4 stars; one submission).

Submission:

GeneDx
Classification: Pathogenic. Last evaluated: 2021-02-22. Review status: criteria provided, single submitter. Criteria: GeneDx Variant Classification Process June 2021. Collection method: clinical testing. Allele origin: germline. Affected: yes.
Comment: Frameshift variant predicted to result in protein truncation in a gene for which loss-of-function is a known mechanism of disease; Not observed in large population cohorts (Lek et al., 2016); Has not been previously published as pathogenic or benign to our knowledge

NM_000448.3(RAG1):c.746dup (p.His249fs)

Gene: RAG1 (recombination activating 1; plus strand). Cytogenetic location: 11p12.
Variant type: Duplication.
Coding change: c.746dup on transcript NM_000448.3 (MANE Select); coding-DNA position 746, one base duplicated (A; older notation c.746dupA).
Protein change: p.His249fs; shifts the reading frame from histidine 249.
Molecular consequence: frameshift variant.
Genome position (GRCh38, 1-based): chr11:36,574,050, A duplicated. VCF-style (leftmost placement, unchanged base first): chr11-36574049-C-CA. GRCh37 (hg19) VCF-style: chr11-36595599-C-CA.
Other names: c.746delGinsAA (NM_000448.2); c.746dup, p.His249fs (NM_001377277.1, NM_001377278.1, NM_001377279.1 and 1 more transcripts); short protein forms H249fs.
Identifiers: ClinVar variation 280562 (VCV000280562.3), dbSNP rs886041745, ClinGen allele CA10603116.
Genomic context (GRCh38, chr11:36,574,049, plus strand): 5'-AACTTGCAGCTCAGCAAAAAACTCAAAACTGTGCTTGACCAAGCAAGACAAGCCCGTCAG[C>CA]ACAAGAGAAGAGCTCAGGCAAGGATCAGCAGCAAGGATGTCATGAAGAAGATCGCCAACT-3'